The following is an entry in ClinVar:

NM_016824.5(ADD3):c.791A>T (p.Asp264Val)

Gene: ADD3 (adducin 3; plus strand). Cytogenetic location: 10q25.2.
Variant type: single nucleotide variant.
Coding change: c.791A>T on transcript NM_016824.5 (MANE Select); coding-DNA position 791, A replaced by T.
Protein change: p.Asp264Val; replaces aspartic acid 264 with valine.
Molecular consequence: missense variant.
Genome position (GRCh38, 1-based): chr10:110,119,284, A>T. VCF-style: chr10-110119284-A-T. GRCh37 (hg19) VCF-style: chr10-111879042-A-T.
Other names: c.791A>T, p.Asp264Val (NM_001121.4, NM_001320591.2, NM_001320592.2 and 2 more transcripts); c.557A>T, p.Asp186Val (NM_001320594.2); c.791A>T (NM_016824.3); short protein forms D186V, D264V.
Identifiers: ClinVar variation 2069392 (VCV002069392.2), dbSNP rs751032166, ClinGen allele CA5686464.

ClinVar aggregate classification (germline): Uncertain significance. Review status: criteria provided, multiple submitters, no conflicts (2 of 4 stars). 2 submissions from 2 submitters: Uncertain significance (2). Last evaluated 2025-11-06.

Allele frequency attached by ClinVar (database versions not stated): TOPMed 0.00001; gnomAD exomes 0.00003; ExAC 0.00002.
gnomAD v4.1: 41 of 1,614,178 alleles (0.0025%); highest among the groups gnomAD compares: Middle Eastern, 0.016%; no homozygotes.

Submissions (2):

Ambry Genetics
Classification: Uncertain significance. Last evaluated: 2025-11-06. Review status: criteria provided, single submitter. Criteria: Ambry Variant Classification Scheme 2023. Collection method: clinical testing. Allele origin: germline.

Labcorp Genetics (formerly Invitae), Labcorp
Classification: Uncertain significance. Last evaluated: 2022-01-04. Review status: criteria provided, single submitter. Criteria: Invitae Variant Classification Sherloc (09022015). Collection method: clinical testing. Allele origin: germline.
Comment: This sequence change replaces aspartic acid, which is acidic and polar, with valine, which is neutral and non-polar, at codon 264 of the ADD3 protein (p.Asp264Val). This variant is present in population databases (rs751032166, gnomAD 0.01%). This variant has not been reported in the literature in individuals affected with ADD3-related conditions. Algorithms developed to predict the effect of missense changes on protein structure and function are either unavailable or do not agree on the potential impact of this missense change (SIFT: "Not Available"; PolyPhen-2: "Benign"; Align-GVGD: "Not Available"). In summary, the available evidence is currently insufficient to determine the role of this variant in disease. Therefore, it has been classified as a Variant of Uncertain Significance.